The following is an entry in ClinVar:

ClinVar aggregate classification (germline): Uncertain significance (1 of 4 stars; one submission).

Conditions:
Hereditary cancer-predisposing syndrome. Also called: Tumor predisposition; Hereditary neoplastic syndrome; Hereditary Cancer Syndrome; Neoplastic Syndromes, Hereditary. Identifiers: Orphanet 140162, MedGen C0027672, MeSH D009386, MONDO:0015356.

Submission:

Ambry Genetics
Classification: Uncertain significance for Hereditary cancer-predisposing syndrome. Last evaluated: 2024-01-16. Review status: criteria provided, single submitter. Criteria: Ambry Variant Classification Scheme 2023. Collection method: clinical testing. Allele origin: germline.
Comment: The p.A171G variant (also known as c.512C>G), located in coding exon 4 of the POLD1 gene, results from a C to G substitution at nucleotide position 512. The alanine at codon 171 is replaced by glycine, an amino acid with similar properties. This amino acid position is conserved. In addition, this alteration is predicted to be tolerated by in silico analysis. Since supporting evidence is limited at this time, the clinical significance of this alteration remains unclear.

NM_002691.4(POLD1):c.512C>G (p.Ala171Gly)

Gene: POLD1 (DNA polymerase delta 1, catalytic subunit; plus strand). Cytogenetic location: 19q13.33.
Variant type: single nucleotide variant.
Coding change: c.512C>G on transcript NM_002691.4 (MANE Select); coding-DNA position 512, C replaced by G.
Protein change: p.Ala171Gly; replaces alanine 171 with glycine.
Molecular consequence: missense variant. On other transcripts: non-coding transcript variant (1).
Genome position (GRCh38, 1-based): chr19:50,402,047, C>G. VCF-style: chr19-50402047-C-G. GRCh37 (hg19) VCF-style: chr19-50905304-C-G.
Other names: c.512C>G, p.Ala171Gly (NM_001256849.1, NM_001308632.1); short protein forms A171G.
Identifiers: ClinVar variation 3222741 (VCV003222741.1), dbSNP rs2038660657, ClinGen allele CA406973100.